The following is an entry in ClinVar:

ClinVar aggregate classification (germline): Benign/Likely benign. Review status: criteria provided, multiple submitters, no conflicts (2 of 4 stars). 9 submissions from 9 submitters: Benign (4); Likely benign (5). Last evaluated 2026-01-26.

Conditions:
CDKN2A-related disorder. Also called: CDKN2A-related condition.
Hereditary cancer-predisposing syndrome. Also called: Tumor predisposition; Neoplastic Syndromes, Hereditary; Hereditary Cancer Syndrome; Hereditary neoplastic syndrome. Identifiers: Orphanet 140162, MedGen C0027672, MeSH D009386, MONDO:0015356.
Familial melanoma. Also called: Hereditary melanoma; Hereditary cutaneous melanoma. Identifiers: Orphanet 618, MedGen C1512419, MONDO:0018961.
Melanoma-pancreatic cancer syndrome. Identifiers: Orphanet 404560, MedGen C1838547, MONDO:0011713, OMIM 606719. Disease mechanism: loss of function.

Allele frequency attached by ClinVar (database versions not stated): TOPMed 0.00016; gnomAD 0.00019; gnomAD exomes 0.00020; ExAC 0.00025.
gnomAD v4.1: 37 of 1,606,690 alleles (0.0023%); highest among the groups gnomAD compares: East Asian, 0.083%; 1 homozygote.

Submissions (9):

Labcorp Genetics (formerly Invitae), Labcorp
Classification: Benign for Familial melanoma. Last evaluated: 2026-01-26. Review status: criteria provided, single submitter. Criteria: Invitae Variant Classification Sherloc (09022015). Collection method: clinical testing. Allele origin: germline.

PreventionGenetics, part of Exact Sciences
Classification: Likely benign for CDKN2A-related condition. Last evaluated: 2025-12-24. Review status: criteria provided, single submitter. Criteria: ACMG Guidelines, 2015. Collection method: clinical testing. Allele origin: germline.
Comment: This variant is classified as likely benign based on ACMG/AMP sequence variant interpretation guidelines (Richards et al. 2015 PMID: 25741868, with internal and published modifications).

Myriad Genetics, Inc.
Classification: Benign for Melanoma-pancreatic cancer syndrome. Last evaluated: 2025-08-13. Review status: criteria provided, single submitter. Criteria: Myriad Autosomal Dominant, Autosomal Recessive and X-Linked Classification Criteria (2023). Collection method: clinical testing. Allele origin: unknown.
Comment: This variant is considered benign. This variant is a silent/synonymous amino acid change and it is not expected to impact splicing.

Center for Genomic Medicine, Rigshospitalet, Copenhagen University Hospital
Classification: Likely benign. Last evaluated: 2025-03-04. Review status: criteria provided, single submitter. Criteria: ACMG Guidelines, 2015. Collection method: clinical testing. Allele origin: germline.

CeGaT Center for Human Genetics Tuebingen
Classification: Likely benign. Last evaluated: 2024-03-01. Review status: criteria provided, single submitter. Criteria: CeGaT Center For Human Genetics Tuebingen Variant Classification Criteria Version 2. Collection method: clinical testing. Allele origin: germline. Affected: yes. Observed: 1 variant allele.
Comment: CDKN2A: BP4, BP7, BS1

GeneDx
Classification: Likely benign. Last evaluated: 2019-03-22. Review status: criteria provided, single submitter. Criteria: GeneDx Variant Classification Process June 2021. Collection method: clinical testing. Allele origin: germline. Affected: yes.

Quest Diagnostics Nichols Institute San Juan Capistrano
Classification: Benign. Last evaluated: 2017-09-28. Review status: criteria provided, single submitter. Criteria: Quest Diagnostics criteria. Collection method: clinical testing. Allele origin: unknown.

Color Diagnostics, LLC DBA Color Health
Classification: Benign for Hereditary cancer-predisposing syndrome. Last evaluated: 2017-01-22. Review status: criteria provided, single submitter. Criteria: ACMG Guidelines, 2015. Collection method: clinical testing. Allele origin: germline.

Ambry Genetics
Classification: Likely benign for Hereditary cancer-predisposing syndrome. Last evaluated: 2015-09-08. Review status: criteria provided, single submitter. Criteria: Ambry Variant Classification Scheme 2023. Collection method: clinical testing. Allele origin: germline.

NM_000077.5(CDKN2A):c.51C>A (p.Ala17=)

Gene: CDKN2A (cyclin dependent kinase inhibitor 2A; minus strand). Cytogenetic location: 9p21.3.
Variant type: single nucleotide variant.
Coding change: c.51C>A on transcript NM_000077.5; coding-DNA position 51, C replaced by A.
Protein change: p.Ala17=; no amino-acid change (alanine 17 retained).
Molecular consequence: synonymous variant (on NM_000077.6). On other transcripts: intron variant (2).
Genome position (GRCh38, 1-based): chr9:21,974,777, G>T on the plus strand (C>A on the coding strand, the complement: CDKN2A is on the minus strand). VCF-style: chr9-21974777-G-T. GRCh37 (hg19) VCF-style: chr9-21974776-G-T.
Other names: c.51C>A, p.Ala17= (NM_000077.6, NM_001195132.2, NM_058197.5); c.-3-3569C>A (NM_001363763.2); c.194-3569C>A (NM_058195.4).
Identifiers: ClinVar variation 215440 (VCV000215440.43), dbSNP rs764362225, ClinGen allele CA337138.